The following is an entry in ClinVar:

NM_207361.6(FREM2):c.850G>C (p.Val284Leu)

Gene: FREM2 (FRAS1 related extracellular matrix 2; plus strand). Cytogenetic location: 13q13.3.
Variant type: single nucleotide variant.
Coding change: c.850G>C on transcript NM_207361.6 (MANE Select); coding-DNA position 850, G replaced by C.
Protein change: p.Val284Leu; replaces valine 284 with leucine.
Molecular consequence: missense variant.
Genome position (GRCh38, 1-based): chr13:38,688,194, G>C. VCF-style: chr13-38688194-G-C. GRCh37 (hg19) VCF-style: chr13-39262331-G-C.
Other names: short protein forms V284L.
Identifiers: ClinVar variation 1303990 (VCV001303990.8), dbSNP rs770004356, ClinGen allele CA6954294.
Genomic context (GRCh38, chr13:38,688,194, plus strand): 5'-GTGCGCTATCGCCACACAGCCGCCAGTCGCTCACCAAACAGGGACTGGATACCCATGGTG[G>C]TGGAGCTGCGTTCACGAGGGGCTCCTGTGGGCAGCCCTGCTTTGAAACGCGAGCACTTCC-3'
Protein context (NP_997244.4, residues 274-294): SPNRDWIPMV[Val284Leu]ELRSRGAPVG

ClinVar aggregate classification (germline): Conflicting classifications of pathogenicity. Review status: criteria provided, conflicting classifications (1 of 4 stars). 4 submissions from 4 submitters: Uncertain significance (3); Likely benign (1). Last evaluated 2025-09-20.

Conditions:
Inborn genetic diseases. Identifiers: MedGen C0950123, MeSH D030342.

Allele frequency attached by ClinVar (database versions not stated): TOPMed 0.00009; ExAC 0.00022.
gnomAD v4.1: 42 of 1,613,230 alleles (0.0026%); highest among the groups gnomAD compares: East Asian, 0.089%; no homozygotes.

Submissions (4):

Labcorp Genetics (formerly Invitae), Labcorp
Classification: Likely benign. Last evaluated: 2025-09-20. Review status: criteria provided, single submitter. Criteria: Invitae Variant Classification Sherloc (09022015). Collection method: clinical testing. Allele origin: germline.

Ambry Genetics
Classification: Uncertain significance for Inborn genetic diseases. Last evaluated: 2021-09-01. Review status: criteria provided, single submitter. Criteria: Ambry Variant Classification Scheme 2023. Collection method: clinical testing. Allele origin: germline.

GeneDx
Classification: Uncertain significance. Last evaluated: 2021-06-09. Review status: criteria provided, single submitter. Criteria: GeneDx Variant Classification Process June 2021. Collection method: clinical testing. Allele origin: germline. Affected: yes.
Comment: In silico analysis supports that this missense variant does not alter protein structure/function; Has not been previously published as pathogenic or benign to our knowledge; This variant is associated with the following publications: (PMID: 27535533)

Blueprint Genetics
Classification: Uncertain significance. Last evaluated: 2021-04-22. Review status: criteria provided, single submitter. Criteria: ACMG Guidelines, 2015. Collection method: clinical testing. Allele origin: germline.